The following is an entry in ClinVar:

ClinVar aggregate classification (germline): Benign. Review status: criteria provided, multiple submitters, no conflicts (2 of 4 stars). 2 submissions from 2 submitters: Benign (2). Last evaluated 2018-06-16.

Allele frequency attached by ClinVar (database versions not stated): gnomAD 0.08374 and 0.08420; TOPMed 0.08611; 1000 Genomes Project 30x 0.11727; 1000 Genomes Project 0.11941.
gnomAD v4.1: 86,525 of 1,583,118 alleles (5.5%); highest among the groups gnomAD compares: African/African-American, 18%; 3,544 homozygotes.

Submissions (2):

GeneDx
Classification: Benign. Last evaluated: 2018-06-16. Review status: criteria provided, single submitter. Criteria: GeneDx Variant Classification (06012015). Collection method: clinical testing. Allele origin: germline. Affected: yes.
Comment: This variant is considered likely benign or benign based on one or more of the following criteria: it is a conservative change, it occurs at a poorly conserved position in the protein, it is predicted to be benign by multiple in silico algorithms, and/or has population frequency not consistent with disease.

Breakthrough Genomics
Classification: Benign. Review status: criteria provided, single submitter. Criteria: ACMG Guidelines, 2015. Collection method: not provided. Allele origin: germline. Inheritance: Autosomal recessive inheritance. Affected: yes.

NM_001379180.1(ESRRB):c.460+56T>C

Gene: ESRRB (estrogen related receptor beta; plus strand). Cytogenetic location: 14q24.3.
Variant type: single nucleotide variant.
Coding change: c.460+56T>C on transcript NM_001379180.1 (MANE Select); 56 bases into the intron after coding-DNA position 460, T replaced by C.
Molecular consequence: intron variant.
Genome position (GRCh38, 1-based): chr14:76,439,806, T>C. VCF-style: chr14-76439806-T-C. GRCh37 (hg19) VCF-style: chr14-76906149-T-C.
Other names: c.397+56T>C (NM_004452.4).
Identifiers: ClinVar variation 682629 (VCV000682629.2), dbSNP rs45507197, ClinGen allele CA264011447.